The following is an entry in ClinVar:

NM_001378964.1(CDON):c.514C>T (p.Pro172Ser)

Gene: CDON (cell adhesion associated, oncogene regulated; minus strand). Cytogenetic location: 11q24.2.
Variant type: single nucleotide variant.
Coding change: c.514C>T on transcript NM_001378964.1 (MANE Select); coding-DNA position 514, C replaced by T.
Protein change: p.Pro172Ser; replaces proline 172 with serine.
Molecular consequence: missense variant.
Genome position (GRCh38, 1-based): chr11:126,018,456, G>A on the plus strand (C>T on the coding strand, the complement: CDON is on the minus strand). VCF-style: chr11-126018456-G-A. GRCh37 (hg19) VCF-style: chr11-125888351-G-A.
Other names: c.514C>T, p.Pro172Ser (NM_001243597.3, NM_001441161.1, NM_001441162.1 and 5 more transcripts); short protein forms P172S.
Identifiers: ClinVar variation 4084573 (VCV004084573.8).

ClinVar aggregate classification (germline): Uncertain significance (1 of 4 stars; one submission).

Submission:

CeGaT Center for Human Genetics Tuebingen
Classification: Uncertain significance. Last evaluated: 2025-07-01. Review status: criteria provided, single submitter. Criteria: CeGaT Center For Human Genetics Tuebingen Variant Classification Criteria Version 2. Collection method: clinical testing. Allele origin: germline. Affected: yes. Observed: 1 variant allele.
Comment: CDON: PM2